The following is an entry in ClinVar:

NM_006662.3(SRCAP):c.7765G>A (p.Ala2589Thr)

Gene: SRCAP (Snf2 related CREBBP activator protein; plus strand). Cytogenetic location: 16p11.2.
Variant type: single nucleotide variant.
Coding change: c.7765G>A on transcript NM_006662.3 (MANE Select); coding-DNA position 7765, G replaced by A.
Protein change: p.Ala2589Thr; replaces alanine 2589 with threonine.
Molecular consequence: missense variant.
Genome position (GRCh38, 1-based): chr16:30,737,805, G>A. VCF-style: chr16-30737805-G-A. GRCh37 (hg19) VCF-style: chr16-30749126-G-A.
Other names: c.7765G>A (NM_006662.2); short protein forms A2589T.
Identifiers: ClinVar variation 2428313 (VCV002428313.10), dbSNP rs370775352, ClinGen allele CA8012550.
Genomic context (GRCh38, chr16:30,737,805, plus strand): 5'-GTGGCCAGTTCAGAAACCTCCTCACTTTCTCTTGTGCCCCCTAAAGATCTGTTGCCAGTT[G>A]CTGTGGAGATCCTGCCTGTGTCAGAGAAGAACCTTTCTCTCACCCCTTCTGCACCCAGCC-3'
Protein context (NP_006653.2, residues 2579-2599): LVPPKDLLPV[Ala2589Thr]VEILPVSEKN

ClinVar aggregate classification (germline): Conflicting classifications of pathogenicity. Review status: criteria provided, conflicting classifications (1 of 4 stars). 4 submissions from 4 submitters: Uncertain significance (1); Likely benign (2). 1 of the submissions does not count toward it. Last evaluated 2025-04-12.

Conditions:
Developmental delay, hypotonia, musculoskeletal defects, and behavioral abnormalities. Identifiers: MedGen C5562012, MONDO:0859202, OMIM 619595.
Floating-Harbor syndrome (FLHS). Also called: SRCAP-Related Floating-Harbor Syndrome; Short stature with delayed bone age, expressive language delay, a triangular face with a prominent nose and deep-set eyes; Pelletier-Leisti syndrome. Identifiers: Orphanet 2044, MedGen C0729582, MONDO:0007621, OMIM 136140.
Inborn genetic diseases. Identifiers: MedGen C0950123, MeSH D030342.
SRCAP-related disorder. Also called: SRCAP-related condition.

Allele frequency attached by ClinVar (database versions not stated): gnomAD exomes 0.00001; ESP Exome Variant Server 0.00008; ExAC 0.00010; 1000 Genomes Project 30x 0.00016; TOPMed 0.00019; 1000 Genomes Project 0.00020; gnomAD 0.00020.
gnomAD v4.1: 47 of 1,614,164 alleles (0.0029%); highest among the groups gnomAD compares: African/African-American, 0.056%; 1 homozygote.

Submissions (4):

Ambry Genetics
Classification: Likely benign for Inborn genetic diseases. Last evaluated: 2025-04-12. Review status: criteria provided, single submitter. Criteria: Ambry Variant Classification Scheme 2023. Collection method: clinical testing. Allele origin: germline.

Fulgent Genetics
Classification: Likely benign for Floating-Harbor syndrome; Developmental delay, hypotonia, musculoskeletal defects, and behavioral abnormalities. Last evaluated: 2024-02-22. Review status: criteria provided, single submitter. Criteria: ACMG Guidelines, 2015. Collection method: clinical testing. Allele origin: germline.

Labcorp Genetics (formerly Invitae), Labcorp
Classification: Uncertain significance. Last evaluated: 2023-10-15. Review status: criteria provided, single submitter. Criteria: Invitae Variant Classification Sherloc (09022015). Collection method: clinical testing. Allele origin: germline.
Comment: This sequence change replaces alanine, which is neutral and non-polar, with threonine, which is neutral and polar, at codon 2589 of the SRCAP protein (p.Ala2589Thr). This variant is present in population databases (rs370775352, gnomAD 0.07%), and has an allele count higher than expected for a pathogenic variant. This variant has not been reported in the literature in individuals affected with SRCAP-related conditions. ClinVar contains an entry for this variant (Variation ID: 2428313). Advanced modeling of protein sequence and biophysical properties (such as structural, functional, and spatial information, amino acid conservation, physicochemical variation, residue mobility, and thermodynamic stability) performed at Invitae indicates that this missense variant is not expected to disrupt SRCAP protein function. In summary, the available evidence is currently insufficient to determine the role of this variant in disease. Therefore, it has been classified as a Variant of Uncertain Significance.

PreventionGenetics, part of Exact Sciences
Classification: Likely benign for SRCAP-related condition. Last evaluated: 2022-10-11. Review status: no assertion criteria provided. Collection method: clinical testing. Allele origin: germline. Not counted in ClinVar's aggregate classification.
Comment: This variant is classified as likely benign based on ACMG/AMP sequence variant interpretation guidelines (Richards et al. 2015 PMID: 25741868, with internal and published modifications).